The following is an entry in ClinVar:

ClinVar aggregate classification (germline): Conflicting classifications of pathogenicity. Review status: criteria provided, conflicting classifications (1 of 4 stars). 2 submissions from 2 submitters: Uncertain significance (1); Likely benign (1). Last evaluated 2022-12-20.

Conditions:
Inborn genetic diseases. Identifiers: MedGen C0950123, MeSH D030342.

Allele frequency attached by ClinVar (database versions not stated): gnomAD exomes below 0.00001; gnomAD 0.00002 and 0.00003; TOPMed 0.00002.
gnomAD v4.1: 5 of 1,613,922 alleles (0.00031%); highest among the groups gnomAD compares: African/African-American, 0.0027%; no homozygotes.

Submissions (2):

Labcorp Genetics (formerly Invitae), Labcorp
Classification: Likely benign. Last evaluated: 2022-12-20. Review status: criteria provided, single submitter. Criteria: Invitae Variant Classification Sherloc (09022015). Collection method: clinical testing. Allele origin: germline.

Ambry Genetics
Classification: Uncertain significance for Inborn genetic diseases. Last evaluated: 2017-04-07. Review status: criteria provided, single submitter. Criteria: Ambry Variant Classification Scheme 2023. Collection method: clinical testing. Allele origin: germline.
Comment: The p.P732Q variant (also known as c.2195C>A), located in coding exon 6 of the ARID1B gene, results from a C to A substitution at nucleotide position 2195. The proline at codon 732 is replaced by glutamine, an amino acid with similar properties. This amino acid position is not well conserved in available vertebrate species. In addition, this alteration is predicted to be tolerated by in silico analysis. Since supporting evidence is limited at this time, the clinical significance of this alteration remains unclear.

NM_001374828.1(ARID1B):c.2405C>A (p.Pro802Gln)

Gene: ARID1B (AT-rich interaction domain 1B; plus strand). Cytogenetic location: 6q25.3.
Variant type: single nucleotide variant.
Coding change: c.2405C>A on transcript NM_001374828.1 (MANE Select); coding-DNA position 2405, C replaced by A.
Protein change: p.Pro802Gln; replaces proline 802 with glutamine.
Molecular consequence: missense variant. On other transcripts: 5 prime UTR variant (1).
Genome position (GRCh38, 1-based): chr6:157,084,819, C>A. VCF-style: chr6-157084819-C-A. GRCh37 (hg19) VCF-style: chr6-157405953-C-A.
Other names: c.-95C>A (NM_001363725.2); c.2444C>A, p.Pro815Gln (NM_001371656.1, NM_001374820.1); c.2405C>A, p.Pro802Gln (NM_017519.3); c.2195C>A, p.Pro732Gln (NM_020732.3); short protein forms P732Q, P802Q, P815Q.
Identifiers: ClinVar variation 589569 (VCV000589569.8), dbSNP rs1318967699, ClinGen allele CA366387334.
Genomic context (GRCh38, chr6:157,084,819, plus strand): 5'-AGAGCAACCCGGCGCAGTCGCCTTTCTCCCCACATGCGTCCCCTCATCTCTCCAGCATCC[C>A]GGGGGGCCCATCTCCCTCTCCTGTTGGCTCTCCTGTAGGAAGCAACCAGTCTCGATCTGG-3'
Protein context (NP_001361757.1, residues 792-812): PHASPHLSSI[Pro802Gln]GGPSPSPVGS